The following is an entry in ClinVar:

ClinVar aggregate classification (germline): Uncertain significance (1 of 4 stars; one submission).

Submission:

CeGaT Center for Human Genetics Tuebingen
Classification: Uncertain significance. Last evaluated: 2025-01-01. Review status: criteria provided, single submitter. Criteria: CeGaT Center For Human Genetics Tuebingen Variant Classification Criteria Version 2. Collection method: clinical testing. Allele origin: germline. Affected: yes. Observed: 1 variant allele.
Comment: ANKS6: PM2, PP3

NM_173551.5(ANKS6):c.2222C>T (p.Pro741Leu)

Gene: ANKS6 (ankyrin repeat and sterile alpha motif domain containing 6; minus strand). Cytogenetic location: 9q22.33.
Variant type: single nucleotide variant.
Coding change: c.2222C>T on transcript NM_173551.5 (MANE Select); coding-DNA position 2222, C replaced by T.
Protein change: p.Pro741Leu; replaces proline 741 with leucine.
Molecular consequence: missense variant.
Genome position (GRCh38, 1-based): chr9:98,756,524, G>A on the plus strand (C>T on the coding strand, the complement: ANKS6 is on the minus strand). VCF-style: chr9-98756524-G-A. GRCh37 (hg19) VCF-style: chr9-101518806-G-A.
Other names: short protein forms P741L.
Identifiers: ClinVar variation 3772343 (VCV003772343.13).
Genomic context (GRCh38, chr9:98,756,524, plus strand): 5'-GACTGCCGATGGGATGACGAGGAAGACACTGAGGACTCTGCAGTGTGCCCTTTGGGTGAG[G>A]GGGAGGGCGTGAGGGTTGGAGAGGTGCTCTTGGAGGTAGTGGAAGTTCCAGATGGAGGCC-3'
Protein context (NP_775822.3, residues 731-751): KSTSPTLTPS[Pro741Leu]SPKGHTAESS